The following is an entry in ClinVar:

NM_001365951.3(KIF1B):c.184-3C>T

Gene: KIF1B (kinesin family member 1B; plus strand). Cytogenetic location: 1p36.22.
Variant type: single nucleotide variant.
Coding change: c.184-3C>T on transcript NM_001365951.3 (MANE Select); 3 bases into the intron before coding-DNA position 184, C replaced by T.
Molecular consequence: intron variant.
Genome position (GRCh38, 1-based): chr1:10,258,490, C>T. VCF-style: chr1-10258490-C-T. GRCh37 (hg19) VCF-style: chr1-10318548-C-T.
Other names: c.184-3C>T (NM_183416.4, NM_015074.3, NM_001365952.1 and 1 more transcripts).
Identifiers: ClinVar variation 3226371 (VCV003226371.1), dbSNP rs754127193, ClinGen allele CA580649.

ClinVar aggregate classification (germline): Uncertain significance (1 of 4 stars; one submission).

Allele frequency attached by ClinVar (database versions not stated): gnomAD exomes below 0.00001; ExAC 0.00001.
gnomAD v4.1: 2 of 1,613,520 alleles (0.00012%); highest among the groups gnomAD compares: Non-Finnish European, 0.00017%; no homozygotes.

Submission:

Ambry Genetics
Classification: Uncertain significance. Last evaluated: 2024-03-12. Review status: criteria provided, single submitter. Criteria: Ambry Variant Classification Scheme 2023. Collection method: clinical testing. Allele origin: germline.
Comment: The c.184-3C>T intronic variant results from a C to T substitution 3 nucleotides upstream from coding exon 3 in the KIF1B gene. This nucleotide position is not well conserved in available vertebrate species. In silico splice site analysis predicts that this alteration will not have any significant effect on splicing. The evidence for this gene-disease relationship is limited; therefore, the clinical significance of this alteration is unclear.